The following is an entry in ClinVar:

NM_003242.6(TGFBR2):c.1511G>A (p.Trp504Ter)

Gene: TGFBR2 (transforming growth factor beta receptor 2; plus strand). Cytogenetic location: 3p24.1.
Variant type: single nucleotide variant.
Coding change: c.1511G>A on transcript NM_003242.6 (MANE Select); coding-DNA position 1511, G replaced by A.
Protein change: p.Trp504Ter; replaces tryptophan 504 with a stop codon.
Molecular consequence: nonsense.
Genome position (GRCh38, 1-based): chr3:30,688,498, G>A. VCF-style: chr3-30688498-G-A. GRCh37 (hg19) VCF-style: chr3-30729990-G-A.
Other names: c.1586G>A, p.Trp529Ter (NM_001024847.3); c.1694G>A, p.Trp565Ter (NM_001407126.1); c.1619G>A, p.Trp540Ter (NM_001407127.1); c.1538G>A, p.Trp513Ter (NM_001407128.1); c.1514G>A, p.Trp505Ter (NM_001407129.1); c.1508G>A, p.Trp503Ter (NM_001407130.1); c.1406G>A, p.Trp469Ter (NM_001407132.1, NM_001407133.1, NM_001407134.1 and 2 more transcripts); c.1226G>A, p.Trp409Ter (NM_001407137.1); and 3 more; short protein forms W505*, W513*, W214*, W503*, W540*, W384*, W469*, W529*.
Identifiers: ClinVar variation 2734462 (VCV002734462.4), dbSNP rs2125452229, ClinGen allele CA351809436.

ClinVar aggregate classification (germline): Pathogenic/Likely pathogenic. Review status: criteria provided, multiple submitters, no conflicts (2 of 4 stars). 2 submissions from 2 submitters: Pathogenic (1); Likely pathogenic (1). Last evaluated 2024-11-21.

Conditions:
Familial thoracic aortic aneurysm and aortic dissection (TAAD). Also called: Thoracic aortic aneurysms and dissections. Identifiers: Orphanet 91387, MedGen C4707243, MONDO:0019625.

Submissions (2):

Ambry Genetics
Classification: Likely pathogenic for Familial thoracic aortic aneurysm and aortic dissection. Last evaluated: 2024-11-21. Review status: criteria provided, single submitter. Criteria: Ambry Variant Classification Scheme 2023. Collection method: clinical testing. Allele origin: germline.
Comment: The p.W504* variant (also known as c.1511G>A), located in coding exon 6 of the TGFBR2 gene, results from a G to A substitution at nucleotide position 1511. This changes the amino acid from a tryptophan to a stop codon within coding exon 6. This variant has been detected in multiple individuals with features consistent with Loeys-Dietz syndrome (LDS), including a reported de novo occurrence (Stheneur C et al. Hum Mutat, 2008 Nov;29:E284-95; Yang JH et al. J Hum Genet, 2012 Jan;57:52-6; Pees C et al. Clin Genet, 2014 Dec;86:552-7; external communication; Ambry internal data). This alteration occurs at the 3' terminus of theTGFBR2 gene and is not expected to trigger nonsense-mediated mRNA decay. However, this variant impacts the protein kinase domain, a critical region of the protein, and multiple nonsense and missense varaints in the C-terminal end of the kinase domain have been associated with LDS or LDS-related phenotypes (Loeys BL et al. N. Engl. J. Med. 2006;355:788-98; Stheneur C et al. Hum. Mutat. 2008;29:E284-95; Horbelt D et al. J. Cell. Sci. 2010;123:4340-50; Ambry internal data). This variant is considered to be rare based on population cohorts in the Genome Aggregation Database (gnomAD). Based on the majority of available evidence to date, this variant is likely to be pathogenic.

Labcorp Genetics (formerly Invitae), Labcorp
Classification: Pathogenic for Familial thoracic aortic aneurysm and aortic dissection. Last evaluated: 2023-01-17. Review status: criteria provided, single submitter. Criteria: Invitae Variant Classification Sherloc (09022015). Collection method: clinical testing. Allele origin: germline.
Comment: This sequence change creates a premature translational stop signal (p.Trp504*) in the TGFBR2 gene. While this is not anticipated to result in nonsense mediated decay, it is expected to disrupt the last 64 amino acid(s) of the TGFBR2 protein. This variant is not present in population databases (gnomAD no frequency). This premature translational stop signal has been observed in individual(s) with clinical features of TGFBR2-related conditions (PMID: 18781618, 22113417; Invitae). In at least one individual the variant was observed to be de novo. For these reasons, this variant has been classified as Pathogenic.

Literature cited by the submitters: PubMed 18781618 (cited by Ambry Genetics and Labcorp Genetics (formerly Invitae), Labcorp); PubMed 22113417 (cited by Ambry Genetics and Labcorp Genetics (formerly Invitae), Labcorp); PubMed 24199744 (cited by Ambry Genetics).